The following is an entry in ClinVar:

NM_003922.4(HERC1):c.9322A>G (p.Ile3108Val)

Gene: HERC1 (HECT and RLD domain containing E3 ubiquitin protein ligase family member 1; minus strand). Cytogenetic location: 15q22.31.
Variant type: single nucleotide variant.
Coding change: c.9322A>G on transcript NM_003922.4 (MANE Select); coding-DNA position 9322, A replaced by G.
Protein change: p.Ile3108Val; replaces isoleucine 3108 with valine.
Molecular consequence: missense variant.
Genome position (GRCh38, 1-based): chr15:63,659,838, T>C on the plus strand (A>G on the coding strand, the complement: HERC1 is on the minus strand). VCF-style: chr15-63659838-T-C. GRCh37 (hg19) VCF-style: chr15-63952037-T-C.
Other names: c.9322A>G (NM_003922.3); short protein forms I3108V.
Identifiers: ClinVar variation 2878286 (VCV002878286.2), dbSNP rs2070258371, ClinGen allele CA392760319.

ClinVar aggregate classification (germline): Uncertain significance. Review status: criteria provided, multiple submitters, no conflicts (2 of 4 stars). 2 submissions from 2 submitters: Uncertain significance (2). Last evaluated 2025-11-24.

Conditions:
Inborn genetic diseases. Identifiers: MedGen C0950123, MeSH D030342.

Allele frequency attached by ClinVar (database versions not stated): gnomAD exomes 0.00001; TOPMed below 0.00001.
gnomAD v4.1: 9 of 1,613,844 alleles (0.00056%); highest among the groups gnomAD compares: Non-Finnish European, 0.00059%; no homozygotes.

Submissions (2):

Ambry Genetics
Classification: Uncertain significance for Inborn genetic diseases. Last evaluated: 2025-11-24. Review status: criteria provided, single submitter. Criteria: Ambry Variant Classification Scheme 2023. Collection method: clinical testing. Allele origin: germline.

Labcorp Genetics (formerly Invitae), Labcorp
Classification: Uncertain significance. Last evaluated: 2024-01-09. Review status: criteria provided, single submitter. Criteria: Invitae Variant Classification Sherloc (09022015). Collection method: clinical testing. Allele origin: germline.
Comment: This sequence change replaces isoleucine, which is neutral and non-polar, with valine, which is neutral and non-polar, at codon 3108 of the HERC1 protein (p.Ile3108Val). This variant is not present in population databases (gnomAD no frequency). This variant has not been reported in the literature in individuals affected with HERC1-related conditions. Advanced modeling of protein sequence and biophysical properties (such as structural, functional, and spatial information, amino acid conservation, physicochemical variation, residue mobility, and thermodynamic stability) performed at Invitae indicates that this missense variant is not expected to disrupt HERC1 protein function with a negative predictive value of 80%. In summary, the available evidence is currently insufficient to determine the role of this variant in disease. Therefore, it has been classified as a Variant of Uncertain Significance.